The following is an entry in ClinVar:

NM_020831.6(MRTFA):c.1532C>A (p.Pro511Gln)

Gene: MRTFA (myocardin related transcription factor A; minus strand). Cytogenetic location: 22q13.1.
Variant type: single nucleotide variant.
Coding change: c.1532C>A on transcript NM_020831.6 (MANE Select); coding-DNA position 1532, C replaced by A.
Protein change: p.Pro511Gln; replaces proline 511 with glutamine.
Molecular consequence: missense variant.
Genome position (GRCh38, 1-based): chr22:40,419,206, G>T on the plus strand (C>A on the coding strand, the complement: MRTFA is on the minus strand). VCF-style: chr22-40419206-G-T. GRCh37 (hg19) VCF-style: chr22-40815210-G-T.
Other names: c.1232C>A, p.Pro411Gln (NM_001282660.2); c.1382C>A, p.Pro461Gln (NM_001282661.3); c.1532C>A, p.Pro511Gln (NM_001282662.3); c.1337C>A, p.Pro446Gln (NM_001318139.2); short protein forms P411Q, P446Q, P461Q, P511Q.
Identifiers: ClinVar variation 2420145 (VCV002420145.6), dbSNP rs761749928, ClinGen allele CA10249650.

ClinVar aggregate classification (germline): Uncertain significance (1 of 4 stars; one submission).

Allele frequency attached by ClinVar (database versions not stated): TOPMed below 0.00001; gnomAD exomes 0.00001; ExAC 0.00006.

Submission:

Labcorp Genetics (formerly Invitae), Labcorp
Classification: Uncertain significance. Last evaluated: 2025-10-06. Review status: criteria provided, single submitter. Criteria: Invitae Variant Classification Sherloc (09022015). Collection method: clinical testing. Allele origin: germline.
Comment: This sequence change replaces proline, which is neutral and non-polar, with glutamine, which is neutral and polar, at codon 411 of the MKL1 protein (p.Pro411Gln). The frequency data for this variant in the population databases is considered unreliable, as metrics indicate poor data quality at this position in the gnomAD database. This variant has not been reported in the literature in individuals affected with MKL1-related conditions. ClinVar contains an entry for this variant (Variation ID: 2420145). An algorithm developed to predict the effect of missense changes on protein structure and function (PolyPhen-2) suggests that this variant is likely to be tolerated. In summary, the available evidence is currently insufficient to determine the role of this variant in disease. Therefore, it has been classified as a Variant of Uncertain Significance.